The following is an entry in ClinVar:

ClinVar aggregate classification (germline): Uncertain significance (1 of 4 stars; one submission).

Conditions:
Severe combined immunodeficiency due to DNA-PKcs deficiency. Also called: IMMUNODEFICIENCY 26 WITH NEUROLOGIC ABNORMALITIES; Immunodeficiency 26 with or without neurologic abnormalities. Identifiers: Orphanet 317425, MedGen C4014833, MONDO:0014423, OMIM 615966.

Allele frequency attached by ClinVar (database versions not stated): gnomAD exomes below 0.00001.
gnomAD v4.1: 1 of 1,605,216 alleles (0.000062%); highest among the groups gnomAD compares: Admixed American, 0.0017%; no homozygotes.

Submission:

Labcorp Genetics (formerly Invitae), Labcorp
Classification: Uncertain significance for Severe combined immunodeficiency due to DNA-PKcs deficiency. Last evaluated: 2024-11-05. Review status: criteria provided, single submitter. Criteria: Invitae Variant Classification Sherloc (09022015). Collection method: clinical testing. Allele origin: germline.
Comment: This sequence change replaces lysine, which is basic and polar, with asparagine, which is neutral and polar, at codon 1361 of the PRKDC protein (p.Lys1361Asn). This variant is present in population databases (no rsID available, gnomAD 0.003%). This variant has not been reported in the literature in individuals affected with PRKDC-related conditions. ClinVar contains an entry for this variant (Variation ID: 1445302). Invitae Evidence Modeling of protein sequence and biophysical properties (such as structural, functional, and spatial information, amino acid conservation, physicochemical variation, residue mobility, and thermodynamic stability) indicates that this missense variant is not expected to disrupt PRKDC protein function with a negative predictive value of 80%. In summary, the available evidence is currently insufficient to determine the role of this variant in disease. Therefore, it has been classified as a Variant of Uncertain Significance.

NM_006904.7(PRKDC):c.4083G>C (p.Lys1361Asn)

Gene: PRKDC (protein kinase, DNA-activated, catalytic subunit; minus strand). Cytogenetic location: 8q11.21.
Variant type: single nucleotide variant.
Coding change: c.4083G>C on transcript NM_006904.7 (MANE Select); coding-DNA position 4083, G replaced by C.
Protein change: p.Lys1361Asn; replaces lysine 1361 with asparagine.
Molecular consequence: missense variant.
Genome position (GRCh38, 1-based): chr8:47,889,211, C>G on the plus strand (G>C on the coding strand, the complement: PRKDC is on the minus strand). VCF-style: chr8-47889211-C-G. GRCh37 (hg19) VCF-style: chr8-48801772-C-G.
Other names: c.4083G>C, p.Lys1361Asn (NM_001081640.2); short protein forms K1361N.
Identifiers: ClinVar variation 1445302 (VCV001445302.6), dbSNP rs1376937128, ClinGen allele CA371147235.